The following is an entry in ClinVar:

ClinVar aggregate classification (germline): Uncertain significance (1 of 4 stars; one submission).

Submission:

Labcorp Genetics (formerly Invitae), Labcorp
Classification: Uncertain significance. Last evaluated: 2024-07-02. Review status: criteria provided, single submitter. Criteria: Invitae Variant Classification Sherloc (09022015). Collection method: clinical testing. Allele origin: germline.
Comment: This sequence change replaces threonine, which is neutral and polar, with lysine, which is basic and polar, at codon 110 of the GFM2 protein (p.Thr110Lys). This variant is not present in population databases (gnomAD no frequency). This variant has not been reported in the literature in individuals affected with GFM2-related conditions. Advanced modeling of protein sequence and biophysical properties (such as structural, functional, and spatial information, amino acid conservation, physicochemical variation, residue mobility, and thermodynamic stability) performed at Invitae indicates that this missense variant is expected to disrupt GFM2 protein function with a positive predictive value of 80%. In summary, the available evidence is currently insufficient to determine the role of this variant in disease. Therefore, it has been classified as a Variant of Uncertain Significance.

NM_032380.5(GFM2):c.329C>A (p.Thr110Lys)

Gene: GFM2 (GTP dependent ribosome recycling factor mitochondrial 2; minus strand). Cytogenetic location: 5q13.3.
Variant type: single nucleotide variant.
Coding change: c.329C>A on transcript NM_032380.5 (MANE Select); coding-DNA position 329, C replaced by A.
Protein change: p.Thr110Lys; replaces threonine 110 with lysine.
Molecular consequence: missense variant. On other transcripts: non-coding transcript variant (1).
Genome position (GRCh38, 1-based): chr5:74,751,469, G>T on the plus strand (C>A on the coding strand, the complement: GFM2 is on the minus strand). VCF-style: chr5-74751469-G-T. GRCh37 (hg19) VCF-style: chr5-74047294-G-T.
Other names: c.425C>A, p.Thr142Lys (NM_001281302.2); c.329C>A, p.Thr110Lys (NM_170681.3, NM_170691.3); short protein forms T110K, T142K.
Identifiers: ClinVar variation 3658491 (VCV003658491.2).